The following is an entry in ClinVar:

NM_000057.4(BLM):c.1936A>G (p.Ser646Gly)

Gene: BLM (BLM RecQ like helicase; plus strand). Cytogenetic location: 15q26.1.
Variant type: single nucleotide variant.
Coding change: c.1936A>G on transcript NM_000057.4 (MANE Select); coding-DNA position 1936, A replaced by G.
Protein change: p.Ser646Gly; replaces serine 646 with glycine.
Molecular consequence: missense variant.
Genome position (GRCh38, 1-based): chr15:90,763,019, A>G. VCF-style: chr15-90763019-A-G. GRCh37 (hg19) VCF-style: chr15-91306249-A-G.
Other names: c.1936A>G (LRG_20t1); c.1936A>G, p.Ser646Gly (NM_001287246.2, NM_001287247.2); c.811A>G, p.Ser271Gly (NM_001287248.2); short protein forms S646G, S271G.
Identifiers: ClinVar variation 405311 (VCV000405311.24), dbSNP rs370293537, ClinGen allele CA7738623.

ClinVar aggregate classification (germline): Uncertain significance. Review status: criteria provided, multiple submitters, no conflicts (2 of 4 stars). 6 submissions from 6 submitters: Uncertain significance (5). 1 of the submissions does not count toward it. Last evaluated 2026-01-11.

Conditions:
Hereditary cancer-predisposing syndrome. Also called: Hereditary Cancer Syndrome; Hereditary neoplastic syndrome; Neoplastic Syndromes, Hereditary; Tumor predisposition. Identifiers: Orphanet 140162, MedGen C0027672, MeSH D009386, MONDO:0015356.
Bloom syndrome (BLM). Also called: Bloom-Torre-Machacek syndrome. Identifiers: Orphanet 125, MedGen C0005859, MONDO:0008876, OMIM 210900.
BLM-related disorder. Also called: BLM-related condition.

Allele frequency attached by ClinVar (database versions not stated): ExAC 0.00002; gnomAD exomes 0.00002 and 0.00010; gnomAD 0.00003; TOPMed 0.00003; ESP Exome Variant Server 0.00008.
gnomAD v4.1: 144 of 1,613,330 alleles (0.0089%); highest among the groups gnomAD compares: Non-Finnish European, 0.012%; no homozygotes.

Submissions (6):

Labcorp Genetics (formerly Invitae), Labcorp
Classification: Uncertain significance for Bloom syndrome. Last evaluated: 2026-01-11. Review status: criteria provided, single submitter. Criteria: Invitae Variant Classification Sherloc (09022015). Collection method: clinical testing. Allele origin: germline.
Comment: This sequence change replaces serine, which is neutral and polar, with glycine, which is neutral and non-polar, at codon 646 of the BLM protein (p.Ser646Gly). This variant is present in population databases (rs370293537, gnomAD 0.02%). This variant has not been reported in the literature in individuals affected with BLM-related conditions. ClinVar contains an entry for this variant (Variation ID: 405311). Invitae Evidence Modeling of protein sequence and biophysical properties (such as structural, functional, and spatial information, amino acid conservation, physicochemical variation, residue mobility, and thermodynamic stability) indicates that this missense variant is not expected to disrupt BLM protein function with a negative predictive value of 80%. In summary, the available evidence is currently insufficient to determine the role of this variant in disease. Therefore, it has been classified as a Variant of Uncertain Significance.

Ambry Genetics
Classification: Uncertain significance for Hereditary cancer-predisposing syndrome. Last evaluated: 2025-07-13. Review status: criteria provided, single submitter. Criteria: Ambry Variant Classification Scheme 2023. Collection method: clinical testing. Allele origin: germline.
Comment: The p.S646G variant (also known as c.1936A>G), located in coding exon 7 of the BLM gene, results from an A to G substitution at nucleotide position 1936. The serine at codon 646 is replaced by glycine, an amino acid with similar properties. This amino acid position is not well conserved in available vertebrate species. In addition, this alteration is predicted to be tolerated by in silico analysis. Since supporting evidence is limited at this time, the clinical significance of this alteration remains unclear.

Fulgent Genetics
Classification: Uncertain significance for Bloom syndrome. Last evaluated: 2024-01-23. Review status: criteria provided, single submitter. Criteria: ACMG Guidelines, 2015. Collection method: clinical testing. Allele origin: germline.

PreventionGenetics, part of Exact Sciences
Classification: Uncertain significance for BLM-related condition. Last evaluated: 2023-02-21. Review status: criteria provided, single submitter. Criteria: ACMG Guidelines, 2015. Collection method: clinical testing. Allele origin: germline.
Comment: The BLM c.1936A>G variant is predicted to result in the amino acid substitution p.Ser646Gly. To our knowledge, this variant has not been reported in the literature. This variant is reported in 0.016% of alleles in individuals of African descent in gnomAD. This variant is interpreted as variant of uncertain significance in Clinvar. At this time, the clinical significance of this variant is uncertain due to the absence of conclusive functional and genetic evidence.

Illumina Laboratory Services, Illumina
Classification: Uncertain significance for Bloom syndrome. Last evaluated: 2017-04-27. Review status: criteria provided, single submitter. Criteria: ICSL Variant Classification Criteria 13 December 2019. Collection method: clinical testing. Allele origin: germline.

Natera, Inc.
Classification: Uncertain significance for Bloom syndrome. Last evaluated: 2020-07-16. Review status: no assertion criteria provided. Collection method: clinical testing. Allele origin: germline. Not counted in ClinVar's aggregate classification.